The following is an entry in ClinVar:

NM_002972.4(SBF1):c.2127+5G>A

Gene: SBF1 (SET binding factor 1; minus strand). Cytogenetic location: 22q13.33.
Variant type: single nucleotide variant.
Coding change: c.2127+5G>A on transcript NM_002972.4 (MANE Select); 5 bases into the intron after coding-DNA position 2127, G replaced by A.
Molecular consequence: intron variant.
Genome position (GRCh38, 1-based): chr22:50,462,554, C>T on the plus strand (G>A on the coding strand, the complement: SBF1 is on the minus strand). VCF-style: chr22-50462554-C-T. GRCh37 (hg19) VCF-style: chr22-50900983-C-T.
Other names: c.2130+5G>A (NM_001365819.1); c.2127+5G>A (NM_002972.3).
Identifiers: ClinVar variation 1307243 (VCV001307243.7), dbSNP rs779542104, ClinGen allele CA10317355.

ClinVar aggregate classification (germline): Conflicting classifications of pathogenicity. Review status: criteria provided, conflicting classifications (1 of 4 stars). 4 submissions from 4 submitters: Likely pathogenic (1); Uncertain significance (3). Last evaluated 2024-05-10.

Conditions:
Tip-toe gait. Also called: Toe walking. Identifiers: MedGen C0427144, HP:0030051.

gnomAD v4.1: 48 of 1,609,212 alleles (0.003%); highest among the groups gnomAD compares: East Asian, 0.06%; no homozygotes.

Submissions (4):

Women's Health and Genetics/Laboratory Corporation of America, LabCorp
Classification: Uncertain significance. Last evaluated: 2024-05-10. Review status: criteria provided, single submitter. Criteria: LabCorp Variant Classification Summary - May 2015. Collection method: clinical testing. Allele origin: germline.
Comment: Variant summary: SBF1 c.2127+5G>A alters a nucleotide located close to a canonical splice site and therefore could affect mRNA splicing, leading to a significantly altered protein sequence. Several computational tools predict a significant impact on normal splicing: One predicts the variant abolishes a 5' splicing donor site. Three predict the variant weakens a 5' donor site. However, these predictions have yet to be confirmed by functional studies. The variant allele was found at a frequency of 8.2e-05 in 231400 control chromosomes. This frequency is not significantly higher than estimated for a pathogenic variant in SBF1 causing Charcot Marie Tooth Disease Type 4B3 (8.2e-05 vs ND), allowing no conclusion about variant significance. To our knowledge, no occurrence of c.2127+5G>A in individuals affected with Charcot Marie Tooth Disease Type 4B3 and no experimental evidence demonstrating its impact on protein function have been reported. ClinVar contains an entry for this variant (Variation ID: 1307243). Based on the evidence outlined above, the variant was classified as uncertain significance.

Practice for Gait Abnormalities, David Pomarino, Competency Network Toe Walking C/o Practice Pomarino
Classification: Likely pathogenic for Tip-toe gait. Last evaluated: 2021-08-18. Review status: criteria provided, single submitter. Criteria: Pomarino et al. (Glob Med Genet. 2026). Collection method: clinical testing. Allele origin: germline. Affected: yes.

Labcorp Genetics (formerly Invitae), Labcorp
Classification: Uncertain significance. Last evaluated: 2021-03-01. Review status: criteria provided, single submitter. Criteria: Invitae Variant Classification Sherloc (09022015). Collection method: clinical testing. Allele origin: germline.
Comment: This variant is present in population databases (rs779542104, ExAC 0.07%). This sequence change falls in intron 18 of the SBF1 gene. It does not directly change the encoded amino acid sequence of the SBF1 protein. It affects a nucleotide within the consensus splice site of the intron. This variant has not been reported in the literature in individuals with SBF1-related conditions. In summary, the available evidence is currently insufficient to determine the role of this variant in disease. Therefore, it has been classified as a Variant of Uncertain Significance. Nucleotide substitutions within the consensus splice site are a relatively common cause of aberrant splicing (PMID: 17576681, 9536098). Algorithms developed to predict the effect of sequence changes on RNA splicing suggest that this variant may disrupt the consensus splice site, but this prediction has not been confirmed by published transcriptional studies.

GeneDx
Classification: Uncertain significance. Last evaluated: 2019-07-25. Review status: criteria provided, single submitter. Criteria: GeneDx Variant Classification Process June 2021. Collection method: clinical testing. Allele origin: germline. Affected: yes.
Comment: Has not been previously published as pathogenic or benign to our knowledge; In silico analysis, which includes splice predictors and evolutionary conservation, suggests this variant may impact gene splicing. In the absence of RNA/functional studies, the actual effect of this sequence change is unknown.

Literature cited by the submitters: PubMed 17576681 (cited by Labcorp Genetics (formerly Invitae), Labcorp); PubMed 9536098 (cited by Labcorp Genetics (formerly Invitae), Labcorp).